The following is an entry in ClinVar:

ClinVar aggregate classification (germline): Uncertain significance (1 of 4 stars; one submission).

Conditions:
Inborn genetic diseases. Identifiers: MedGen C0950123, MeSH D030342.

Allele frequency attached by ClinVar (database versions not stated): gnomAD 0.00001.
gnomAD v4.1: 2 of 1,592,436 alleles (0.00013%); highest among the groups gnomAD compares: African/African-American, 0.0028%; no homozygotes.

Submission:

Ambry Genetics
Classification: Uncertain significance for Inborn genetic diseases. Last evaluated: 2022-08-22. Review status: criteria provided, single submitter. Criteria: Ambry Variant Classification Scheme 2023. Collection method: clinical testing. Allele origin: germline.
Comment: The p.D84Y variant (also known as c.250G>T), located in coding exon 3 of the EPAS1 gene, results from a G to T substitution at nucleotide position 250. The aspartic acid at codon 84 is replaced by tyrosine, an amino acid with highly dissimilar properties. This amino acid position is conserved. In addition, this alteration is predicted to be tolerated by in silico analysis. Since supporting evidence is limited at this time, the clinical significance of this alteration remains unclear.

NM_001430.5(EPAS1):c.250G>T (p.Asp84Tyr)

Gene: EPAS1 (endothelial PAS domain protein 1; plus strand). Cytogenetic location: 2p21.
Variant type: single nucleotide variant.
Coding change: c.250G>T on transcript NM_001430.5 (MANE Select); coding-DNA position 250, G replaced by T.
Protein change: p.Asp84Tyr; replaces aspartic acid 84 with tyrosine.
Molecular consequence: missense variant.
Genome position (GRCh38, 1-based): chr2:46,356,183, G>T. VCF-style: chr2-46356183-G-T. GRCh37 (hg19) VCF-style: chr2-46583322-G-T.
Other names: short protein forms D84Y.
Identifiers: ClinVar variation 1792383 (VCV001792383.2), dbSNP rs1684268650, ClinGen allele CA346697727.
Genomic context (GRCh38, chr2:46,356,183, plus strand): 5'-AAGCTGTCCCACCCCCCCCCCTTTCCAGTTTGCTCTGAAAACGAGTCCGAAGCCGAAGCT[G>T]ACCAGCAGATGGACAACTTGTACCTGAAAGCCTTGGAGGGTTTCATTGCCGTGGTGACCC-3'
Protein context (NP_001421.2, residues 74-94): CSENESEAEA[Asp84Tyr]QQMDNLYLKA